The following is an entry in ClinVar:

ClinVar aggregate classification (germline): Uncertain significance (1 of 4 stars; one submission).

gnomAD v4.1: 14 of 1,609,904 alleles (0.00087%); highest among the groups gnomAD compares: Admixed American, 0.0067%; no homozygotes.

Submission:

Labcorp Genetics (formerly Invitae), Labcorp
Classification: Uncertain significance. Last evaluated: 2025-04-24. Review status: criteria provided, single submitter. Criteria: Invitae Variant Classification Sherloc (09022015). Collection method: clinical testing. Allele origin: germline.
Comment: This sequence change replaces glutamine, which is neutral and polar, with histidine, which is basic and polar, at codon 471 of the TNFRSF11A protein (p.Gln471His). This variant is present in population databases (rs773741080, gnomAD 0.01%). This variant has not been reported in the literature in individuals affected with TNFRSF11A-related conditions. ClinVar contains an entry for this variant (Variation ID: 3607718). An algorithm developed to predict the effect of missense changes on protein structure and function outputs the following: PolyPhen-2: "Benign". The histidine amino acid residue is found in multiple mammalian species, which suggests that this missense change does not adversely affect protein function. In summary, the available evidence is currently insufficient to determine the role of this variant in disease. Therefore, it has been classified as a Variant of Uncertain Significance.

NM_003839.4(TNFRSF11A):c.1413G>T (p.Gln471His)

Gene: TNFRSF11A (TNF receptor superfamily member 11a; plus strand). Cytogenetic location: 18q21.33.
Variant type: single nucleotide variant.
Coding change: c.1413G>T on transcript NM_003839.4 (MANE Select); coding-DNA position 1413, G replaced by T.
Protein change: p.Gln471His; replaces glutamine 471 with histidine.
Molecular consequence: missense variant. On other transcripts: intron variant (3).
Genome position (GRCh38, 1-based): chr18:62,369,330, G>T. VCF-style: chr18-62369330-G-T. GRCh37 (hg19) VCF-style: chr18-60036563-G-T.
Other names: c.1371G>T, p.Gln457His (NM_001278268.2); c.783+2570G>T (NM_001270949.2); c.730+7537G>T (NM_001270950.2); c.616+9281G>T (NM_001270951.2); short protein forms Q457H, Q471H.
Identifiers: ClinVar variation 3607718 (VCV003607718.2).